The following is an entry in ClinVar:

NM_014112.5(TRPS1):c.967-1G>T

Gene: TRPS1 (transcriptional repressor GATA binding 1; minus strand). Cytogenetic location: 8q23.3.
Variant type: single nucleotide variant.
Coding change: c.967-1G>T on transcript NM_014112.5 (MANE Select); the canonical splice acceptor site of the intron before coding-DNA position 967, G replaced by T.
Molecular consequence: splice acceptor variant.
Genome position (GRCh38, 1-based): chr8:115,605,003, C>A on the plus strand (G>T on the coding strand, the complement: TRPS1 is on the minus strand). VCF-style: chr8-115605003-C-A. GRCh37 (hg19) VCF-style: chr8-116617230-C-A.
Other names: c.928-1G>T (NM_001330599.2); c.946-1G>T (NM_001282903.3); c.940-1G>T (NM_001282902.3).
Identifiers: ClinVar variation 1518177 (VCV001518177.8), dbSNP rs2130494791, ClinGen allele CA372068453.
Genomic context (GRCh38, chr8:115,605,003, plus strand): 5'-GTTCCCTTGGCAATCTGGTGTTTTCCGTCCAATGCCAATGAATGTTCCACCTGAAGTCAC[C>A]TGGAGAACAGAAGAAATGGACTTTACTTCCAAGGTGTCATTAATTCAATGGGCCCTCTGC-3'

ClinVar aggregate classification (germline): Likely pathogenic (1 of 4 stars; one submission).

Conditions:
Trichorhinophalangeal dysplasia type I (TRPS1). Also called: TRPS I; TRICHORHINOPHALANGEAL SYNDROME, TYPE I. Identifiers: Orphanet 77258, MedGen C0432233, MONDO:0008596, OMIM 190350.
Trichorhinophalangeal syndrome, type III (TRPS3). Also called: SUGIO-KAJII SYNDROME. Identifiers: Orphanet 77258, MedGen C1860823, OMIM 190351, MONDO:0008597.

Submission:

Labcorp Genetics (formerly Invitae), Labcorp
Classification: Likely pathogenic for Trichorhinophalangeal syndrome, type III; Trichorhinophalangeal dysplasia type I. Last evaluated: 2021-01-05. Review status: criteria provided, single submitter. Criteria: Invitae Variant Classification Sherloc (09022015). Collection method: clinical testing. Allele origin: germline.
Comment: This variant is not present in population databases (ExAC no frequency). This variant has not been reported in the literature in individuals with TRPS1-related conditions. Algorithms developed to predict the effect of sequence changes on RNA splicing suggest that this variant may disrupt the consensus splice site, but this prediction has not been confirmed by published transcriptional studies. In summary, the currently available evidence indicates that the variant is pathogenic, but additional data are needed to prove that conclusively. Therefore, this variant has been classified as Likely Pathogenic. This sequence change affects an acceptor splice site in intron 3 of the TRPS1 gene. It is expected to disrupt RNA splicing. Variants that disrupt the donor or acceptor splice site typically lead to a loss of protein function (PMID: 16199547), and loss-of-function variants in TRPS1 are known to be pathogenic (PMID: 11112658).

Literature cited by the submitters: PubMed 16199547; PubMed 11112658.